The following is an entry in ClinVar:

NM_000071.3(CBS):c.1046G>C (p.Ser349Thr)

Gene: CBS (cystathionine beta-synthase; minus strand). Cytogenetic location: 21q22.3.
Variant type: single nucleotide variant.
Coding change: c.1046G>C on transcript NM_000071.3 (MANE Select); coding-DNA position 1046, G replaced by C.
Protein change: p.Ser349Thr; replaces serine 349 with threonine.
Molecular consequence: missense variant.
Genome position (GRCh38, 1-based): chr21:43,060,540, C>G on the plus strand (G>C on the coding strand, the complement: CBS is on the minus strand). VCF-style: chr21-43060540-C-G. GRCh37 (hg19) VCF-style: chr21-44480650-C-G.
Other names: c.1046G>C, p.Ser349Thr (NM_001178008.3, NM_001178009.3, NM_001320298.2); c.731G>C, p.Ser244Thr (NM_001321072.1); short protein forms S244T, S349T.
Identifiers: ClinVar variation 3339154 (VCV003339154.5).

ClinVar aggregate classification (germline): Conflicting classifications of pathogenicity. Review status: criteria provided, conflicting classifications (1 of 4 stars). 3 submissions from 3 submitters: Likely pathogenic (1); Uncertain significance (2). Last evaluated 2025-12-22.

Conditions:
Classic homocystinuria. Also called: Homocystinuria due to Cystathionine Beta-Synthase Deficiency; HOMOCYSTINURIA WITH OR WITHOUT RESPONSE TO PYRIDOXINE; Homocystinuria due to CBS deficiency; Cystathionine beta-synthase deficiency; CBS deficiency. Identifiers: Orphanet 394, MedGen C0751202, MONDO:0009352, OMIM 236200.
HYPERHOMOCYSTEINEMIA, THROMBOTIC, CBS-RELATED. Identifiers: MedGen C3150344, OMIM 236200.

Submissions (3):

Myriad Genetics, Inc.
Classification: Uncertain significance for Classic homocystinuria. Last evaluated: 2025-12-22. Review status: criteria provided, single submitter. Criteria: Myriad Autosomal Dominant, Autosomal Recessive and X-Linked Classification Criteria (2023). Collection method: clinical testing. Allele origin: unknown.
Comment: NM_000071.2(CBS):c.1046G>C(S349T) is a missense variant classified as a variant of uncertain significance in the context of homocystinuria, CBS-related. S349T has not been observed in cases with relevant disease. Relevant functional assessments of this variant are not available in the literature. S349T has not been observed in referenced population frequency databases. In summary, there is insufficient evidence to classify NM_000071.2(CBS):c.1046G>C(S349T) as pathogenic or benign. Please note: this variant was assessed in the context of healthy population screening.

Women's Health and Genetics/Laboratory Corporation of America, LabCorp
Classification: Uncertain significance. Last evaluated: 2025-07-24. Review status: criteria provided, single submitter. Criteria: LabCorp Variant Classification Summary - May 2015. Collection method: clinical testing. Allele origin: germline.
Comment: Variant summary: CBS c.1046G>C (p.Ser349Thr) results in a conservative amino acid change in the encoded protein sequence. Algorithms developed to predict the effect of missense changes on protein structure and function are either unavailable or do not agree on the potential impact of this missense change. The variant was absent in 236150 control chromosomes. The available data on variant occurrences in the general population are insufficient to allow any conclusion about variant significance. To our knowledge, no occurrence of c.1046G>C in individuals affected with Homocystinuria and no experimental evidence demonstrating its impact on protein function have been reported. ClinVar contains an entry for this variant (Variation ID: 3339154). Based on the evidence outlined above, the variant was classified as uncertain significance.

Labcorp Genetics (formerly Invitae), Labcorp
Classification: Likely pathogenic for HYPERHOMOCYSTEINEMIA, THROMBOTIC, CBS-RELATED. Last evaluated: 2025-06-22. Review status: criteria provided, single submitter. Criteria: Invitae Variant Classification Sherloc (09022015). Collection method: clinical testing. Allele origin: germline.
Comment: This sequence change replaces serine, which is neutral and polar, with threonine, which is neutral and polar, at codon 349 of the CBS protein (p.Ser349Thr). This variant is not present in population databases (gnomAD no frequency). This variant has not been reported in the literature in individuals affected with CBS-related conditions. ClinVar contains an entry for this variant (Variation ID: 3339154). Invitae Evidence Modeling of protein sequence and biophysical properties (such as structural, functional, and spatial information, amino acid conservation, physicochemical variation, residue mobility, and thermodynamic stability) indicates that this missense variant is expected to disrupt CBS protein function with a positive predictive value of 95%. This variant disrupts the p.Ser349 amino acid residue in CBS. Other variant(s) that disrupt this residue have been determined to be pathogenic (PMID: 12815602). This suggests that this residue is clinically significant, and that variants that disrupt this residue are likely to be disease-causing. In summary, the currently available evidence indicates that the variant is pathogenic, but additional data are needed to prove that conclusively. Therefore, this variant has been classified as Likely Pathogenic.

Literature cited by the submitters: PubMed 12815602 (cited by Labcorp Genetics (formerly Invitae), Labcorp).